The following is an entry in ClinVar:

ClinVar aggregate classification (germline): Uncertain significance. Review status: criteria provided, multiple submitters, no conflicts (2 of 4 stars). 2 submissions from 2 submitters: Uncertain significance (2). Last evaluated 2025-05-02.

Conditions:
Inborn genetic diseases. Identifiers: MedGen C0950123, MeSH D030342.
Monocytopenia with susceptibility to infections. Also called: IMMUNODEFICIENCY 21; GATA2 DEFICIENCY; MONOCYTOPENIA AND MYCOBACTERIAL INFECTION SYNDROME; MONOCYTOPENIA WITH SUSCEPTIBILITY TO MYCOBACTERIAL, FUNGAL, AND PAPILLOMAVIRUS INFECTIONS AND MYELODYSPLASIA; COMBINED IMMUNODEFICIENCY WITH SUSCEPTIBILITY TO MYCOBACTERIAL, VIRAL, AND FUNGAL INFECTIONS; Dendritic cell, monocyte, B lymphocyte, and natural killer lymphocyte deficiency. Identifiers: Orphanet 228423, MedGen C3280030, MONDO:0013607, OMIM 614172.
Deafness-lymphedema-leukemia syndrome. Also called: Lymphedema, primary, with myelodysplasia; Emberger syndrome. Identifiers: Orphanet 3226, MedGen C3279664, MONDO:0013540, OMIM 614038.

Allele frequency attached by ClinVar (database versions not stated): gnomAD exomes below 0.00001.
gnomAD v4.1: 1 of 1,612,638 alleles (0.000062%); highest among the groups gnomAD compares: Non-Finnish European, 0.000085%; no homozygotes.

Submissions (2):

Ambry Genetics
Classification: Uncertain significance for Inborn genetic diseases. Last evaluated: 2025-05-02. Review status: criteria provided, single submitter. Criteria: Ambry Variant Classification Scheme 2023. Collection method: clinical testing. Allele origin: germline.
Comment: The p.S54A variant (also known as c.160T>G), located in coding exon 1 of the GATA2 gene, results from a T to G substitution at nucleotide position 160. The serine at codon 54 is replaced by alanine, an amino acid with similar properties. This amino acid position is conserved. In addition, the in silico prediction for this alteration is inconclusive. Based on the available evidence, the clinical significance of this variant remains unclear.

Labcorp Genetics (formerly Invitae), Labcorp
Classification: Uncertain significance for Monocytopenia with susceptibility to infections; Deafness-lymphedema-leukemia syndrome. Last evaluated: 2022-04-29. Review status: criteria provided, single submitter. Criteria: Invitae Variant Classification Sherloc (09022015). Collection method: clinical testing. Allele origin: germline.
Comment: In summary, the available evidence is currently insufficient to determine the role of this variant in disease. Therefore, it has been classified as a Variant of Uncertain Significance. Advanced modeling of protein sequence and biophysical properties (such as structural, functional, and spatial information, amino acid conservation, physicochemical variation, residue mobility, and thermodynamic stability) performed at Invitae indicates that this missense variant is not expected to disrupt GATA2 protein function. ClinVar contains an entry for this variant (Variation ID: 656757). This variant has not been reported in the literature in individuals affected with GATA2-related conditions. This variant is not present in population databases (gnomAD no frequency). This sequence change replaces serine, which is neutral and polar, with alanine, which is neutral and non-polar, at codon 54 of the GATA2 protein (p.Ser54Ala).

NM_032638.5(GATA2):c.160T>G (p.Ser54Ala)

Gene: GATA2 (GATA binding protein 2; minus strand). Cytogenetic location: 3q21.3.
Variant type: single nucleotide variant.
Coding change: c.160T>G on transcript NM_032638.5 (MANE Select); coding-DNA position 160, T replaced by G.
Protein change: p.Ser54Ala; replaces serine 54 with alanine.
Molecular consequence: missense variant.
Genome position (GRCh38, 1-based): chr3:128,486,872, A>C on the plus strand (T>G on the coding strand, the complement: GATA2 is on the minus strand). VCF-style: chr3-128486872-A-C. GRCh37 (hg19) VCF-style: chr3-128205715-A-C.
Other names: c.160T>G, p.Ser54Ala (NM_001145661.2, NM_001145662.1); short protein forms S54A.
Identifiers: ClinVar variation 656757 (VCV000656757.9), dbSNP rs1576749771, ClinGen allele CA354408557.